The following is an entry in ClinVar:

ClinVar aggregate classification (germline): Conflicting classifications of pathogenicity. Review status: criteria provided, conflicting classifications (1 of 4 stars). 11 submissions from 11 submitters: Uncertain significance (2); Benign (1); Likely benign (7). 1 of the submissions does not count toward it. Last evaluated 2026-01-26.

Conditions:
Monogenic diabetes. Identifiers: Orphanet 183625, MedGen C3888631, MONDO:0015967.
Cardiovascular phenotype. Identifiers: MedGen CN230736.
Alstrom syndrome (ALMS). Identifiers: Orphanet 64, MedGen C0268425, MONDO:0008763, OMIM 203800.

Allele frequency attached by ClinVar (database versions not stated): 1000 Genomes Project 0.00100; ESP Exome Variant Server 0.00200; gnomAD 0.00201 and 0.00225; gnomAD exomes 0.00022 and 0.00042; ExAC 0.00052; 1000 Genomes Project 30x 0.00094; TOPMed 0.00235.
gnomAD v4.1: 636 of 1,613,924 alleles (0.039%); highest among the groups gnomAD compares: African/African-American, 0.78%; 5 homozygotes.

Submissions (11):

Labcorp Genetics (formerly Invitae), Labcorp
Classification: Likely benign for Alstrom syndrome. Last evaluated: 2026-01-26. Review status: criteria provided, single submitter. Criteria: Invitae Variant Classification Sherloc (09022015). Collection method: clinical testing. Allele origin: germline.

Women's Health and Genetics/Laboratory Corporation of America, LabCorp
Classification: Likely benign. Last evaluated: 2025-03-07. Review status: criteria provided, single submitter. Criteria: LabCorp Variant Classification Summary - May 2015. Collection method: clinical testing. Allele origin: germline.
Comment: Variant summary: ALMS1 c.1835G>A (p.Gly612Asp) results in a non-conservative amino acid change in the encoded protein sequence. Three of four in-silico tools predict a benign effect of the variant on protein function. The variant allele was found at a frequency of 0.00042 in 249178 control chromosomes, predominantly at a frequency of 0.0065 within the African or African-American subpopulation in the gnomAD database, including 1 homozygotes. The observed variant frequency within African or African-American control individuals in the gnomAD database is approximately 3.6 fold of the estimated maximal expected allele frequency for a pathogenic variant in ALMS1 causing Alstrom Syndrome With Dilated Cardiomyopathy phenotype (0.0018). To our knowledge, no occurrence of c.1835G>A in individuals affected with Alstrom Syndrome With Dilated Cardiomyopathy and no experimental evidence demonstrating its impact on protein function have been reported. ClinVar contains an entry for this variant (Variation ID: 198876). Based on the evidence outlined above, the variant was classified as likely benign.

Blueprint Genetics
Classification: Likely benign. Last evaluated: 2024-11-06. Review status: criteria provided, single submitter. Criteria: ACMG Guidelines, 2015. Collection method: clinical testing. Allele origin: germline.

Ambry Genetics
Classification: Benign for Cardiovascular phenotype. Last evaluated: 2021-10-29. Review status: criteria provided, single submitter. Criteria: Ambry Variant Classification Scheme 2023. Collection method: clinical testing. Allele origin: germline.

GeneDx
Classification: Likely benign. Last evaluated: 2021-09-02. Review status: criteria provided, single submitter. Criteria: GeneDx Variant Classification Process June 2021. Collection method: clinical testing. Allele origin: germline. Affected: yes.

Genetic Services Laboratory, University of Chicago
Classification: Likely benign. Last evaluated: 2018-08-21. Review status: criteria provided, single submitter. Criteria: ACMG Guidelines, 2015. Collection method: clinical testing. Allele origin: germline. Affected: no.

Personalized Diabetes Medicine Program, University of Maryland School of Medicine
Classification: Likely benign for Monogenic diabetes. Last evaluated: 2018-01-12. Review status: criteria provided, single submitter. Criteria: ACMG Guidelines, 2015. Collection method: research. Allele origin: unknown. Observed: 4 variant alleles, 4 heterozygotes.
Comment: ACMG criteria: PP3 (2 predictors), BP4 (7 predictors), BP1 (missense in gene with truncating cause disease), Emory calls VUS, cases and controls similar frequency=likely benign

Laboratory for Molecular Medicine, Mass General Brigham Personalized Medicine
Classification: Likely benign. Last evaluated: 2017-08-23. Review status: criteria provided, single submitter. Criteria: LMM Criteria. Collection method: clinical testing. Allele origin: germline. Observed: 1 variant allele.
Comment: p.Gly612Asp in exon 8 of ALMS1: This variant is not expected to have clinical si gnificance because it has been identified in 0.64% (63/9800) of African chromoso mes by the Exome Aggregation Consortium (ExAC; d bSNP rs148040591).

Eurofins Ntd Llc (ga)
Classification: Uncertain significance. Last evaluated: 2015-06-03. Review status: criteria provided, single submitter. Criteria: EGL Classification Definitions 2015. Collection method: clinical testing. Allele origin: germline. Observed: 1 variant allele, 1 heterozygote.

Clinical Genomics, Uppaluri K&H Personalized Medicine Clinic
Classification: Uncertain significance for Alstrom syndrome. Review status: criteria provided, single submitter. Criteria: K & H Uppaluri Personalized Medicine Clinic Variant Classification & Assertion Criteria_Updated V.1. Collection method: research. Allele origin: unknown. Inheritance: Autosomal recessive inheritance.
Comment: Potent mutations in ALMS1 are associated with a rare condition called Alstrom syndrome. It can cause excessive eating, insulin resistance. However, no evidence is found to ascertain the role of rs148040591 in Alstrom syndrome yet.

Natera, Inc.
Classification: Benign for Alstrom syndrome. Last evaluated: 2019-10-21. Review status: no assertion criteria provided. Collection method: clinical testing. Allele origin: germline. Not counted in ClinVar's aggregate classification.

Literature cited by the submitters: PubMed 34148947 (cited by Clinical Genomics, Uppaluri K&H Personalized Medicine Clinic); PubMed 25846608 (cited by Clinical Genomics, Uppaluri K&H Personalized Medicine Clinic); PubMed 30421101 (cited by Clinical Genomics, Uppaluri K&H Personalized Medicine Clinic); PubMed 33669459 (cited by Clinical Genomics, Uppaluri K&H Personalized Medicine Clinic).

NM_001378454.1(ALMS1):c.1838G>A (p.Gly613Asp)

Gene: ALMS1 (ALMS1 centrosome and basal body associated protein; plus strand). Cytogenetic location: 2p13.1.
Variant type: single nucleotide variant.
Coding change: c.1838G>A on transcript NM_001378454.1 (MANE Select); coding-DNA position 1838, G replaced by A.
Protein change: p.Gly613Asp; replaces glycine 613 with aspartic acid.
Molecular consequence: missense variant.
Genome position (GRCh38, 1-based): chr2:73,448,365, G>A. VCF-style: chr2-73448365-G-A. GRCh37 (hg19) VCF-style: chr2-73675492-G-A.
Other names: c.1841G>A, p.Gly614Asp (NM_015120.4); short protein forms G614D, G613D.
Identifiers: ClinVar variation 198876 (VCV000198876.39), dbSNP rs148040591, ClinGen allele CA247738.
Genomic context (GRCh38, chr2:73,448,365, plus strand): 5'-ATCTAACTGAAGAGGCTTTGAAAGTTTCAGCTGCTCCTGGACTAGCTGACCAGACAACTG[G>A]CATGTCAACTCTAACCTCTACTTCCTACTCACATAGAGAGAAGCCTGGTACTTTTTACCA-3'
Protein context (NP_001365383.1, residues 603-623): AAPGLADQTT[Gly613Asp]MSTLTSTSYS